The following is an entry in ClinVar:

ClinVar aggregate classification (germline): Likely pathogenic (1 of 4 stars; one submission).

Conditions:
Fanconi anemia (FA). Also called: Fanconi's anemia. Identifiers: Orphanet 84, MedGen C0015625, MeSH D005199, MONDO:0019391.

Submission:

Women's Health and Genetics/Laboratory Corporation of America, LabCorp
Classification: Likely pathogenic for Fanconi anemia. Last evaluated: 2022-05-18. Review status: criteria provided, single submitter. Criteria: LabCorp Variant Classification Summary - May 2015. Collection method: clinical testing. Allele origin: germline.
Comment: Variant summary: FANCE c.2_7delTGGCGA (p.Met1?) alters the initiation codon and is predicted to result either in absence of the protein or truncation of the encoded protein due to translation initiation at a downstream codon. The variant allele was found at a frequency of 2e-05 in 50680 control chromosomes. To our knowledge, no occurrence of c.2_7delTGGCGA in individuals affected with Fanconi Anemia and no experimental evidence demonstrating its impact on protein function have been reported. No clinical diagnostic laboratories have submitted clinical-significance assessments for this variant to ClinVar after 2014. Based on the evidence outlined above, the variant was classified as likely pathogenic.

NM_021922.3(FANCE):c.2_7del (p.Met1_Ala2del)

Genes: FANCE (FA complementation group E; plus strand), LOC129996245 (ATAC-STARR-seq lymphoblastoid silent region 17092; plus strand). Cytogenetic location: 6p21.31.
Variant type: Deletion.
Coding change: c.2_7del on transcript NM_021922.3 (MANE Select); coding-DNA positions 2 to 7, 6 bases deleted (TGGCGA; older notation c.2_7delTGGCGA).
Protein change: p.Met1_Ala2del.
Molecular consequence: inframe deletion, initiator codon variant.
Genome position (GRCh38, 1-based): chr6:35,452,547-35,452,552, TGGCGA deleted; deleting any 6 consecutive bases within chr6:35,452,546-35,452,552 gives the same sequence; the c. name uses the placement nearest the transcript's 3' end. VCF-style (leftmost placement, unchanged base first): chr6-35452545-CATGGCG-C. GRCh37 (hg19) VCF-style: chr6-35420322-CATGGCG-C.
Identifiers: ClinVar variation 1696377 (VCV001696377.2), dbSNP rs755938406, ClinGen allele CA3771345.